The following is an entry in ClinVar:

NM_000540.3(RYR1):c.11366C>T (p.Thr3789Ile)

Gene: RYR1 (ryanodine receptor 1; plus strand). Cytogenetic location: 19q13.2.
Variant type: single nucleotide variant.
Coding change: c.11366C>T on transcript NM_000540.3 (MANE Select); coding-DNA position 11366, C replaced by T.
Protein change: p.Thr3789Ile; replaces threonine 3789 with isoleucine.
Molecular consequence: missense variant.
Genome position (GRCh38, 1-based): chr19:38,535,147, C>T. VCF-style: chr19-38535147-C-T. GRCh37 (hg19) VCF-style: chr19-39025787-C-T.
Other names: c.11351C>T, p.Thr3784Ile (NM_001042723.2); short protein forms T3784I, T3789I.
Identifiers: ClinVar variation 3069865 (VCV003069865.1), dbSNP rs2514530094, ClinGen allele CA405655080.

ClinVar aggregate classification (germline): Uncertain significance (1 of 4 stars; one submission).

Conditions:
Malignant hyperthermia, susceptibility to, 1 (MHS1). Also called: RYR1-Related Malignant Hyperthermia Susceptibility; Anesthesia related hyperthermia; Malignant hyperpyrexia; Fulminating hyperpyrexia; Pharmacogenic myopathy; Malignant hyperthermia suceptibility 1. Identifiers: Orphanet 423, MedGen C2930980, MONDO:0007783, OMIM 145600.

Submission:

All of Us Research Program, National Institutes of Health
Classification: Uncertain significance for Malignant hyperthermia, susceptibility to, 1. Last evaluated: 2023-03-04. Review status: criteria provided, single submitter. Criteria: ACMG Guidelines, 2015. Collection method: clinical testing. Allele origin: germline. Inheritance: Autosomal dominant inheritance. Observed: 1 variant allele, 1 heterozygote.
Comment: This study involves interpretation of variants in research participants for the purpose of population health screening. Participant phenotype was not available at the time of variant classification. Additional details can be found in publication PMID: 35346344, PMCID: PMC8962531